The following is an entry in ClinVar:

ClinVar aggregate classification (germline): Uncertain significance (1 of 4 stars; one submission).

Submission:

Labcorp Genetics (formerly Invitae), Labcorp
Classification: Uncertain significance. Last evaluated: 2022-10-05. Review status: criteria provided, single submitter. Criteria: Invitae Variant Classification Sherloc (09022015). Collection method: clinical testing. Allele origin: germline.
Comment: This sequence change replaces proline, which is neutral and non-polar, with leucine, which is neutral and non-polar, at codon 842 of the OTOF protein (p.Pro842Leu). This variant is not present in population databases (gnomAD no frequency). This missense change has been observed in individual(s) with deafness (Invitae). ClinVar contains an entry for this variant (Variation ID: 1474935). Algorithms developed to predict the effect of missense changes on protein structure and function are either unavailable or do not agree on the potential impact of this missense change (SIFT: "Deleterious"; PolyPhen-2: "Benign"; Align-GVGD: "Class C65"). Algorithms developed to predict the effect of sequence changes on RNA splicing suggest that this variant may disrupt the consensus splice site. In summary, the available evidence is currently insufficient to determine the role of this variant in disease. Therefore, it has been classified as a Variant of Uncertain Significance.

NM_194248.3(OTOF):c.2525C>T (p.Pro842Leu)

Gene: OTOF (otoferlin; minus strand). Cytogenetic location: 2p23.3.
Variant type: single nucleotide variant.
Coding change: c.2525C>T on transcript NM_194248.3 (MANE Select); coding-DNA position 2525, C replaced by T.
Protein change: p.Pro842Leu; replaces proline 842 with leucine.
Molecular consequence: missense variant.
Genome position (GRCh38, 1-based): chr2:26,477,042, G>A on the plus strand (C>T on the coding strand, the complement: OTOF is on the minus strand). VCF-style: chr2-26477042-G-A. GRCh37 (hg19) VCF-style: chr2-26699910-G-A.
Other names: c.2525C>T, p.Pro842Leu (NM_001287489.2); c.284C>T, p.Pro95Leu (NM_004802.4, NM_194323.3); c.455C>T, p.Pro152Leu (NM_194322.3); short protein forms P842L, P152L, P95L.
Identifiers: ClinVar variation 1474935 (VCV001474935.8), dbSNP rs2148050759, ClinGen allele CA346120933.